The following is an entry in ClinVar:

ClinVar aggregate classification (germline): Uncertain significance. Review status: criteria provided, multiple submitters, no conflicts (2 of 4 stars). 4 submissions from 4 submitters: Uncertain significance (4). Last evaluated 2024-04-01.

Conditions:
Progressive myoclonic epilepsy. Also called: Myoclonus epilepsy; Progressive myoclonus epilepsy; Familial progressive myoclonic epilepsy; Myoclonic Epilepsies, Progressive. Identifiers: Orphanet 308, Orphanet 98261, MedGen C0751778, MONDO:0020074.
Inborn genetic diseases. Identifiers: MedGen C0950123, MeSH D030342.

Allele frequency attached by ClinVar (database versions not stated): ExAC below 0.00001; gnomAD exomes 0.00002 and 0.00004; gnomAD 0.00003 and 0.00005; TOPMed 0.00004.
gnomAD v4.1: 53 of 1,467,224 alleles (0.0036%); highest among the groups gnomAD compares: Non-Finnish European, 0.0048%; no homozygotes.

Submissions (4):

CeGaT Center for Human Genetics Tuebingen
Classification: Uncertain significance. Last evaluated: 2024-04-01. Review status: criteria provided, single submitter. Criteria: CeGaT Center For Human Genetics Tuebingen Variant Classification Criteria Version 2. Collection method: clinical testing. Allele origin: germline. Affected: yes. Observed: 1 variant allele.
Comment: EPM2A: PM2, PP3

Labcorp Genetics (formerly Invitae), Labcorp
Classification: Uncertain significance for Progressive myoclonic epilepsy. Last evaluated: 2022-03-12. Review status: criteria provided, single submitter. Criteria: Invitae Variant Classification Sherloc (09022015). Collection method: clinical testing. Allele origin: germline.
Comment: This sequence change replaces valine, which is neutral and non-polar, with methionine, which is neutral and non-polar, at codon 64 of the EPM2A protein (p.Val64Met). The frequency data for this variant in the population databases is considered unreliable, as metrics indicate poor data quality at this position in the gnomAD database. This variant has not been reported in the literature in individuals affected with EPM2A-related conditions. ClinVar contains an entry for this variant (Variation ID: 589823). Algorithms developed to predict the effect of missense changes on protein structure and function are either unavailable or do not agree on the potential impact of this missense change (SIFT: "Deleterious"; PolyPhen-2: "Probably Damaging"; Align-GVGD: "Class C0"). In summary, the available evidence is currently insufficient to determine the role of this variant in disease. Therefore, it has been classified as a Variant of Uncertain Significance.

GeneDx
Classification: Uncertain significance. Last evaluated: 2020-03-18. Review status: criteria provided, single submitter. Criteria: GeneDx Variant Classification Process June 2021. Collection method: clinical testing. Allele origin: germline. Affected: yes.
Comment: Not observed at a significant frequency in large population cohorts (Lek et al., 2016); In silico analysis supports that this missense variant does not alter protein structure/function; Has not been previously published as pathogenic or benign to our knowledge

Ambry Genetics
Classification: Uncertain significance for Inborn genetic diseases. Last evaluated: 2016-05-05. Review status: criteria provided, single submitter. Criteria: Ambry Variant Classification Scheme 2023. Collection method: clinical testing. Allele origin: germline.
Comment: The p.V64M variant (also known as c.190G>A), located in coding exon 1 of the EPM2A gene, results from a G to A substitution at nucleotide position 190. The valine at codon 64 is replaced by methionine, an amino acid with highly similar properties. This variant was not reported in population based cohorts in the following databases: Database of Single Nucleotide Polymorphisms (dbSNP), NHLBI Exome Sequencing Project (ESP), and 1000 Genomes Project. In the ESP, this variant was not observed in 5382 samples (10764 alleles) with coverage at this position. This amino acid position is conserved on limited sequence alignment. In addition, the in silico prediction for this alteration is inconclusive. Since supporting evidence is limited at this time, the clinical significance of this variant remains unclear.

NM_005670.4(EPM2A):c.190G>A (p.Val64Met)

Genes: EPM2A (EPM2A glucan phosphatase, laforin; minus strand), EPM2A-DT (EPM2A divergent transcript; plus strand), LOC129997381 (ATAC-STARR-seq lymphoblastoid silent region 17642; plus strand). Cytogenetic location: 6q24.3.
Variant type: single nucleotide variant.
Coding change: c.190G>A on transcript NM_005670.4 (MANE Select); coding-DNA position 190, G replaced by A.
Protein change: p.Val64Met; replaces valine 64 with methionine.
Molecular consequence: missense variant. On other transcripts: 5 prime UTR variant (3), intron variant (1).
Genome position (GRCh38, 1-based): chr6:145,735,309, C>T on the plus strand (G>A on the coding strand, the complement: EPM2A is on the minus strand). VCF-style: chr6-145735309-C-T. GRCh37 (hg19) VCF-style: chr6-146056445-C-T.
Other names: c.190G>A, p.Val64Met (NM_001018041.2, NM_001360057.2, NM_001368130.1); c.-480G>A (NM_001360071.2); c.-434G>A (NM_001368129.2); c.-178G>A (NM_001368131.1); c.-114+599G>A (NM_001360064.2); short protein forms V64M.
Identifiers: ClinVar variation 589823 (VCV000589823.34), dbSNP rs749279494, ClinGen allele CA4035238.